The following is an entry in ClinVar:

ClinVar aggregate classification (germline): Conflicting classifications of pathogenicity. Review status: criteria provided, conflicting classifications (1 of 4 stars). 2 submissions from 2 submitters: Likely pathogenic (1); Uncertain significance (1). Last evaluated 2023-08-27.

Conditions:
Epidermolysis bullosa simplex 3, localized or generalized intermediate, with BP230 deficiency (EBS3). Also called: Epidermolysis bullosa simplex due to BP230 deficiency; Epidermolysis bullosa simplex, autosomal recessive 2. Identifiers: Orphanet 412181, MedGen C3809470, MONDO:0014180, OMIM 615425.
Hereditary sensory and autonomic neuropathy type 6. Also called: Neuropathy, hereditary sensory and autonomic, type VI; HSAN VI. Identifiers: Orphanet 314381, MedGen C3539003, MONDO:0013839, OMIM 614653.

Allele frequency attached by ClinVar (database versions not stated): ExAC 0.00001; gnomAD exomes 0.00001 and 0.00003; gnomAD 0.00006; TOPMed 0.00006.
gnomAD v4.1: 28 of 1,614,070 alleles (0.0017%); highest among the groups gnomAD compares: Admixed American, 0.022%; no homozygotes.

Submissions (2):

Labcorp Genetics (formerly Invitae), Labcorp
Classification: Uncertain significance for Epidermolysis bullosa simplex 3, localized or generalized intermediate, with BP230 deficiency; Hereditary sensory and autonomic neuropathy type 6. Last evaluated: 2023-08-27. Review status: criteria provided, single submitter. Criteria: Invitae Variant Classification Sherloc (09022015). Collection method: clinical testing. Allele origin: germline.
Comment: In summary, the available evidence is currently insufficient to determine the role of this variant in disease. Therefore, it has been classified as a Variant of Uncertain Significance. Experimental studies and prediction algorithms are not available or were not evaluated, and the functional significance of this variant is currently unknown. ClinVar contains an entry for this variant (Variation ID: 915440). This variant has not been reported in the literature in individuals affected with DST-related conditions. This variant is present in population databases (rs767292450, gnomAD 0.01%). This sequence change creates a premature translational stop signal (p.Arg2478*) in the DST gene. While this is not anticipated to result in nonsense mediated decay, it is expected to disrupt the last 172 amino acid(s) of the DST protein.

Genomic Research Center, Shahid Beheshti University of Medical Sciences
Classification: Likely pathogenic. Last evaluated: 2020-05-03. Review status: criteria provided, single submitter. Criteria: ACMG Guidelines, 2015. Collection method: clinical testing. Allele origin: unknown. Affected: no.

NM_001723.7(DST):c.7432C>T (p.Arg2478Ter)

Gene: DST (dystonin; minus strand). Cytogenetic location: 6p12.1.
Variant type: single nucleotide variant.
Coding change: c.7432C>T on transcript NM_001723.7 (MANE Plus Clinical); coding-DNA position 7432, C replaced by T.
Protein change: p.Arg2478Ter; replaces arginine 2478 with a stop codon.
Molecular consequence: nonsense. On other transcripts: intron variant (10).
Genome position (GRCh38, 1-based): chr6:56,616,035, G>A on the plus strand (C>T on the coding strand, the complement: DST is on the minus strand). VCF-style: chr6-56616035-G-A. GRCh37 (hg19) VCF-style: chr6-56480833-G-A.
Other names: c.4831-1551C>T (NM_001144769.5); c.4930-1551C>T (NM_001374722.1, NM_001374736.1); c.4957-1551C>T (NM_001374734.1); c.4417-1551C>T (NM_001144770.2); c.4297-1551C>T (NM_001374730.1, NM_001386100.1, NM_183380.4 and 1 more transcripts); c.3319-1551C>T (NM_015548.5); short protein forms R2478*.
Identifiers: ClinVar variation 915440 (VCV000915440.6), dbSNP rs767292450, ClinGen allele CA3869968.
Genomic context (GRCh38, chr6:56,616,035, plus strand): 5'-ACTTTTTGCCAGTAAGAGGATCAATTATGCCCCCTGTACTGACTTGGGCTTCAAGGCATC[G>A]GAGGGCAGTAATCCGATCAACCAAATTTCTACGGGAGGCTTTTAGTACAGAGATCCTTTC-3'